The following is an entry in ClinVar:

NM_203447.4(DOCK8):c.3867C>G (p.Asn1289Lys)

Gene: DOCK8 (dedicator of cytokinesis 8; plus strand). Cytogenetic location: 9p24.3.
Variant type: single nucleotide variant.
Coding change: c.3867C>G on transcript NM_203447.4 (MANE Select); coding-DNA position 3867, C replaced by G.
Protein change: p.Asn1289Lys; replaces asparagine 1289 with lysine.
Molecular consequence: missense variant.
Genome position (GRCh38, 1-based): chr9:420,427, C>G. VCF-style: chr9-420427-C-G. GRCh37 (hg19) VCF-style: chr9-420427-C-G.
Other names: c.3567C>G, p.Asn1189Lys (NM_001190458.2); c.3663C>G, p.Asn1221Lys (NM_001193536.2); short protein forms N1189K, N1221K, N1289K.
Identifiers: ClinVar variation 1427938 (VCV001427938.5), dbSNP rs146984705, ClinGen allele CA4958864.

ClinVar aggregate classification (germline): Uncertain significance (1 of 4 stars; one submission).

Conditions:
Combined immunodeficiency due to DOCK8 deficiency (HIES2). Also called: DOCK8 Deficiency; HIES autosomal recessive; Hyper-IgE recurrent infection syndrome, autosomal recessive; HYPER-IgE RECURRENT INFECTION SYNDROME 2, AUTOSOMAL RECESSIVE; HYPER-IgE SYNDROME 2, AUTOSOMAL RECESSIVE, WITH RECURRENT INFECTIONS. Identifiers: Orphanet 217390, MedGen C4722305, MONDO:0009478, OMIM 243700.

gnomAD v4.1: 8 of 1,614,162 alleles (0.0005%); highest among the groups gnomAD compares: South Asian, 0.0066%; no homozygotes.

Submission:

Labcorp Genetics (formerly Invitae), Labcorp
Classification: Uncertain significance for Combined immunodeficiency due to DOCK8 deficiency. Last evaluated: 2022-08-16. Review status: criteria provided, single submitter. Criteria: Invitae Variant Classification Sherloc (09022015). Collection method: clinical testing. Allele origin: germline.
Comment: This sequence change replaces asparagine, which is neutral and polar, with lysine, which is basic and polar, at codon 1289 of the DOCK8 protein (p.Asn1289Lys). This variant is present in population databases (rs146984705, gnomAD 0.02%). This variant has not been reported in the literature in individuals affected with DOCK8-related conditions. ClinVar contains an entry for this variant (Variation ID: 1427938). Algorithms developed to predict the effect of missense changes on protein structure and function (SIFT, PolyPhen-2, Align-GVGD) all suggest that this variant is likely to be tolerated. In summary, the available evidence is currently insufficient to determine the role of this variant in disease. Therefore, it has been classified as a Variant of Uncertain Significance.